The following is an entry in ClinVar:

ClinVar aggregate classification (germline): Uncertain significance. Review status: criteria provided, multiple submitters, no conflicts (2 of 4 stars). 2 submissions from 2 submitters: Uncertain significance (2). Last evaluated 2025-07-25.

Conditions:
Familial focal epilepsy with variable foci (FPEVF). Identifiers: Orphanet 98820, MedGen C1858477, MONDO:0020310.

Submissions (2):

GeneDx
Classification: Uncertain significance. Last evaluated: 2025-07-25. Review status: criteria provided, single submitter. Criteria: GeneDx Variant Classification Process June 2021. Collection method: clinical testing. Allele origin: germline. Affected: yes.
Comment: Not observed at significant frequency in large population cohorts (gnomAD); Has not been previously published as pathogenic or benign to our knowledge; In silico analysis is inconclusive as to whether the variant alters gene splicing. In the absence of RNA/functional studies, the actual effect of this sequence change is unknown.

Labcorp Genetics (formerly Invitae), Labcorp
Classification: Uncertain significance for Familial focal epilepsy with variable foci. Last evaluated: 2024-07-31. Review status: criteria provided, single submitter. Criteria: Invitae Variant Classification Sherloc (09022015). Collection method: clinical testing. Allele origin: germline.
Comment: This sequence change falls in intron 2 of the DEPDC5 gene. It does not directly change the encoded amino acid sequence of the DEPDC5 protein. It affects a nucleotide within the consensus splice site. This variant is not present in population databases (gnomAD no frequency). This variant has not been reported in the literature in individuals affected with DEPDC5-related conditions. Variants that disrupt the consensus splice site are a relatively common cause of aberrant splicing (PMID: 17576681, 9536098). Algorithms developed to predict the effect of sequence changes on RNA splicing suggest that this variant may disrupt the consensus splice site. In summary, the available evidence is currently insufficient to determine the role of this variant in disease. Therefore, it has been classified as a Variant of Uncertain Significance.

Literature cited by the submitters: PubMed 17576681 (cited by Labcorp Genetics (formerly Invitae), Labcorp); PubMed 9536098 (cited by Labcorp Genetics (formerly Invitae), Labcorp).

NM_001242896.3(DEPDC5):c.58+4A>G

Gene: DEPDC5 (DEP domain containing 5, GATOR1 subcomplex subunit; plus strand). Cytogenetic location: 22q12.2.
Variant type: single nucleotide variant.
Coding change: c.58+4A>G on transcript NM_001242896.3 (MANE Select); 4 bases into the intron after coding-DNA position 58, A replaced by G.
Molecular consequence: intron variant.
Genome position (GRCh38, 1-based): chr22:31,754,983, A>G. VCF-style: chr22-31754983-A-G. GRCh37 (hg19) VCF-style: chr22-32150969-A-G.
Other names: c.58+4A>G (NM_001364318.2, NM_001136029.4, NM_014662.6 and 9 more transcripts).
Identifiers: ClinVar variation 3661052 (VCV003661052.3).